The following is an entry in ClinVar:

ClinVar aggregate classification (germline): Likely pathogenic (1 of 4 stars; one submission).

Conditions:
Autosomal recessive limb-girdle muscular dystrophy type 2J (LGMDR10). Also called: Limb-girdle muscular dystrophy, type 2J; MUSCULAR DYSTROPHY, LIMB-GIRDLE, AUTOSOMAL RECESSIVE 10. Identifiers: Orphanet 140922, MedGen C1837342, MONDO:0012127, OMIM 608807.
Dilated cardiomyopathy 1G (CMD1G). Identifiers: Orphanet 154, MedGen C1858763, MONDO:0011400, OMIM 604145.

Submission:

Labcorp Genetics (formerly Invitae), Labcorp
Classification: Likely pathogenic for Dilated cardiomyopathy 1G; Autosomal recessive limb-girdle muscular dystrophy type 2J. Last evaluated: 2024-10-18. Review status: criteria provided, single submitter. Criteria: Invitae Variant Classification Sherloc (09022015). Collection method: clinical testing. Allele origin: germline.
Comment: This sequence change creates a premature translational stop signal (p.Phe11726*) in the TTN gene. While this is not anticipated to result in nonsense mediated decay, it is expected to create a truncated TTN protein. This variant is not present in population databases (gnomAD no frequency). This variant has not been reported in the literature in individuals affected with TTN-related conditions. Algorithms developed to predict the effect of sequence changes on RNA splicing suggest that this variant may disrupt the consensus splice site. This variant is located in the I band of TTN (PMID: 25589632). Truncating variants in this region have been reported in individuals affected with autosomal recessive centronuclear myopathy (PMID: 23975875, internal data). Truncating variants in this region have also been identified in individuals affected with autosomal dominant dilated cardiomyopathy and/or cardio-related conditions (PMID: 27869827, 32964742, internal data). In summary, the currently available evidence indicates that the variant is pathogenic, but additional data are needed to prove that conclusively. Therefore, this variant has been classified as Likely Pathogenic.

Literature cited by the submitters: PubMed 25589632; PubMed 23975875; PubMed 27869827; PubMed 32964742.

NM_001267550.2(TTN):c.35177_35178del (p.Val11725_Phe11726insTer)

Gene: TTN (titin; minus strand). Cytogenetic location: 2q31.2.
Variant type: Deletion.
Coding change: c.35177_35178del on transcript NM_001267550.2 (MANE Select); coding-DNA positions 35177 to 35178, 2 bases deleted (TT; older notation c.35177_35178delTT).
Protein change: p.Val11725_Phe11726insTer.
Molecular consequence: nonsense. On other transcripts: intron variant (3).
Genome position (GRCh38, 1-based): chr2:178,672,020-178,672,021, AA deleted on the plus strand (TT on the coding strand, the reverse complement: TTN is on the minus strand); deleting any 2 consecutive bases within chr2:178,672,020-178,672,024 gives the same sequence; the c. name uses the placement nearest the transcript's 3' end. VCF-style (leftmost placement, unchanged base first): chr2-178672019-CAA-C. GRCh37 (hg19) VCF-style: chr2-179536746-CAA-C.
Other names: c.34055_34056del, p.Val11351_Phe11352insTer (NM_001256850.1); c.31274_31275del, p.Val10424_Phe10425insTer (NM_133378.4); c.13283-29704_13283-29703del (NM_003319.4); c.13859-29704_13859-29703del (NM_133437.4); c.13658-29704_13658-29703del (NM_133432.3).
Identifiers: ClinVar variation 3751597 (VCV003751597.2).